The following is an entry in ClinVar:

ClinVar aggregate classification (germline): Uncertain significance (1 of 4 stars; one submission).

Conditions:
Fanconi anemia (FA). Also called: Fanconi's anemia. Identifiers: Orphanet 84, MedGen C0015625, MeSH D005199, MONDO:0019391.

Submission:

Labcorp Genetics (formerly Invitae), Labcorp
Classification: Uncertain significance for Fanconi anemia. Last evaluated: 2023-06-04. Review status: criteria provided, single submitter. Criteria: Invitae Variant Classification Sherloc (09022015). Collection method: clinical testing. Allele origin: germline.
Comment: Variants that disrupt the consensus splice site are a relatively common cause of aberrant splicing (PMID: 17576681, 9536098). Algorithms developed to predict the effect of sequence changes on RNA splicing suggest that this variant is not likely to affect RNA splicing. This variant has not been reported in the literature in individuals affected with FANCA-related conditions. This variant is not present in population databases (gnomAD no frequency). This sequence change falls in intron 24 of the FANCA gene. It does not directly change the encoded amino acid sequence of the FANCA protein. It affects a nucleotide within the consensus splice site. In summary, the available evidence is currently insufficient to determine the role of this variant in disease. Therefore, it has been classified as a Variant of Uncertain Significance.

Literature cited by the submitters: PubMed 17576681; PubMed 9536098.

NM_000135.4(FANCA):c.2222+5A>T

Gene: FANCA (FA complementation group A; minus strand). Cytogenetic location: 16q24.3.
Variant type: single nucleotide variant.
Coding change: c.2222+5A>T on transcript NM_000135.4 (MANE Select); 5 bases into the intron after coding-DNA position 2222, A replaced by T.
Molecular consequence: intron variant.
Genome position (GRCh38, 1-based): chr16:89,770,559, T>A on the plus strand (A>T on the coding strand, the complement: FANCA is on the minus strand). VCF-style: chr16-89770559-T-A. GRCh37 (hg19) VCF-style: chr16-89836967-T-A.
Other names: c.2222+5A>T (NM_001286167.3).
Identifiers: ClinVar variation 3013973 (VCV003013973.3), dbSNP rs2544198927, ClinGen allele CA2635034616.
Genomic context (GRCh38, chr16:89,770,559, plus strand): 5'-CTTGGCCCAGCAAGAGGTGGCACCCAGAGGAGCCCCACCACTCAGGGAGCTGCCCGCGCC[T>A]TCACCTCTCCGGGGGAGCGACACTGGAGGCAGCCATCAGGTTCTGACAGAAAGACGTCAG-3'